The following is an entry in ClinVar:

NM_000057.4(BLM):c.1312C>T (p.Pro438Ser)

Gene: BLM (BLM RecQ like helicase; plus strand). Cytogenetic location: 15q26.1.
Variant type: single nucleotide variant.
Coding change: c.1312C>T on transcript NM_000057.4 (MANE Select); coding-DNA position 1312, C replaced by T.
Protein change: p.Pro438Ser; replaces proline 438 with serine.
Molecular consequence: missense variant.
Genome position (GRCh38, 1-based): chr15:90,760,685, C>T. VCF-style: chr15-90760685-C-T. GRCh37 (hg19) VCF-style: chr15-91303915-C-T.
Other names: c.1312C>T, p.Pro438Ser (NM_001287246.2, NM_001287247.2); c.187C>T, p.Pro63Ser (NM_001287248.2); short protein forms P63S, P438S.
Identifiers: ClinVar variation 1962239 (VCV001962239.2), dbSNP rs752884341, ClinGen allele CA7738522.

ClinVar aggregate classification (germline): Uncertain significance (1 of 4 stars; one submission).

Conditions:
Bloom syndrome (BLM). Also called: Bloom-Torre-Machacek syndrome. Identifiers: Orphanet 125, MedGen C0005859, MONDO:0008876, OMIM 210900.

Allele frequency attached by ClinVar (database versions not stated): gnomAD exomes below 0.00001; ExAC 0.00001.
gnomAD v4.1: 1 of 1,613,932 alleles (0.000062%); highest among the groups gnomAD compares: Admixed American, 0.0017%; no homozygotes.

Submission:

Labcorp Genetics (formerly Invitae), Labcorp
Classification: Uncertain significance for Bloom syndrome. Last evaluated: 2022-03-14. Review status: criteria provided, single submitter. Criteria: Invitae Variant Classification Sherloc (09022015). Collection method: clinical testing. Allele origin: germline.
Comment: This sequence change replaces proline, which is neutral and non-polar, with serine, which is neutral and polar, at codon 438 of the BLM protein (p.Pro438Ser). This variant is present in population databases (rs752884341, gnomAD 0.003%). This variant has not been reported in the literature in individuals affected with BLM-related conditions. Algorithms developed to predict the effect of missense changes on protein structure and function output the following: SIFT: "Tolerated"; PolyPhen-2: "Benign"; Align-GVGD: "Class C0". The serine amino acid residue is found in multiple mammalian species, which suggests that this missense change does not adversely affect protein function. In summary, the available evidence is currently insufficient to determine the role of this variant in disease. Therefore, it has been classified as a Variant of Uncertain Significance.